The following is an entry in ClinVar:

ClinVar aggregate classification (germline): Uncertain significance (1 of 4 stars; one submission).

Conditions:
Autoimmune lymphoproliferative syndrome type 2A (ALPS2A). Also called: CASP10-Related Autoimmune Lymphoproliferative Syndrome; AUTOIMMUNE LYMPHOPROLIFERATIVE SYNDROME, TYPE IIA; Autoimmune lymphoproliferative syndrome type 2. Identifiers: Orphanet 3261, MedGen C1858968, MONDO:0011383, OMIM 603909.

gnomAD v4.1: 4 of 1,612,884 alleles (0.00025%); highest among the groups gnomAD compares: Non-Finnish European, 0.00034%; no homozygotes.

Submission:

Labcorp Genetics (formerly Invitae), Labcorp
Classification: Uncertain significance for Autoimmune lymphoproliferative syndrome type 2A. Last evaluated: 2025-11-21. Review status: criteria provided, single submitter. Criteria: Invitae Variant Classification Sherloc (09022015). Collection method: clinical testing. Allele origin: germline.
Comment: This sequence change replaces histidine, which is basic and polar, with glutamine, which is neutral and polar, at codon 345 of the CASP10 protein (p.His345Gln). This variant is not present in population databases (gnomAD no frequency). This variant has not been reported in the literature in individuals affected with CASP10-related conditions. Invitae Evidence Modeling of protein sequence and biophysical properties (such as structural, functional, and spatial information, amino acid conservation, physicochemical variation, residue mobility, and thermodynamic stability) indicates that this missense variant is not expected to disrupt CASP10 protein function with a negative predictive value of 80%. In summary, the available evidence is currently insufficient to determine the role of this variant in disease. Therefore, it has been classified as a Variant of Uncertain Significance.

NM_032977.4(CASP10):c.1035T>G (p.His345Gln)

Gene: CASP10 (caspase 10; plus strand). Cytogenetic location: 2q33.1.
Variant type: single nucleotide variant.
Coding change: c.1035T>G on transcript NM_032977.4 (MANE Select); coding-DNA position 1035, T replaced by G.
Protein change: p.His345Gln; replaces histidine 345 with glutamine.
Molecular consequence: missense variant. On other transcripts: 3 prime UTR variant (1).
Genome position (GRCh38, 1-based): chr2:201,209,182, T>G. VCF-style: chr2-201209182-T-G. GRCh37 (hg19) VCF-style: chr2-202073905-T-G.
Other names: c.834T>G, p.His278Gln (NM_001206524.2); c.906T>G, p.His302Gln (NM_001206542.2, NM_001230.5); c.1035T>G, p.His345Gln (NM_032974.5); c.*121T>G (NM_032976.4); short protein forms H278Q, H345Q, H302Q.
Identifiers: ClinVar variation 4783088 (VCV004783088.1).
Genomic context (GRCh38, chr2:201,209,182, plus strand): 5'-TAATGTGACGAAAGTGGAAATGGAGATGGTCCTGCAGAAGCAGAAGTGCAATCCAGCCCA[T>G]GCCGACGGGGACTGCTTCGTGTTCTGTATTCTGACCCATGGGAGATTTGGAGCTGTCTAC-3'
Protein context (NP_116759.2, residues 335-355): VLQKQKCNPA[His345Gln]ADGDCFVFCI